The following is an entry in ClinVar:

ClinVar aggregate classification (germline): Likely benign. Review status: criteria provided, multiple submitters, no conflicts (2 of 4 stars). 3 submissions from 3 submitters: Likely benign (3). Last evaluated 2025-10-01.

Conditions:
PLEC-related disorder. Also called: PLEC-related disorders; PLEC-related condition.
Epidermolysis bullosa simplex with nail dystrophy (EBS5D). Identifiers: MedGen C4225309, MONDO:0014661, OMIM 616487.
Epidermolysis bullosa simplex 5B, with muscular dystrophy (EBS5B). Also called: Epidermolysis bullosa simplex with muscular dystrophy; EPIDERMOLYSIS BULLOSA SIMPLEX AND LIMB-GIRDLE MUSCULAR DYSTROPHY. Identifiers: Orphanet 257, MedGen C2931072, MONDO:0009181, OMIM 226670.
Autosomal recessive limb-girdle muscular dystrophy type 2Q (LGMDR17). Also called: MUSCULAR DYSTROPHY, LIMB-GIRDLE, AUTOSOMAL RECESSIVE 17. Identifiers: Orphanet 254361, MedGen C3150989, MONDO:0013390, OMIM 613723.
Epidermolysis bullosa simplex 5C, with pyloric atresia (EBS5C). Also called: PLEC-Related Epidermolysis Bullosa with Pyloric Atresia; Epidermolysis bullosa simplex with pyloric atresia; PLEC1-Related Epidermolysis Bullosa with Pyloric Atresia. Identifiers: Orphanet 158684, MedGen C2677349, MONDO:0012807, OMIM 612138.
Epidermolysis bullosa simplex, Ogna type (EBS5A). Also called: Pidermolysis bullosa simplex 5A, Ogna type; EPIDERMOLYSIS BULLOSA SIMPLEX 5A, OGNA TYPE. Identifiers: Orphanet 79401, MedGen C0432317, MONDO:0007555, OMIM 131950.

Allele frequency attached by ClinVar (database versions not stated): gnomAD exomes 0.00007 and 0.00009; ExAC 0.00008; ESP Exome Variant Server 0.00008; TOPMed 0.00009; gnomAD 0.00011 and 0.00012; 1000 Genomes Project 0.00020; 1000 Genomes Project 30x 0.00031.
gnomAD v4.1: 117 of 1,608,478 alleles (0.0073%); highest among the groups gnomAD compares: African/African-American, 0.031%; no homozygotes.

Submissions (3):

Labcorp Genetics (formerly Invitae), Labcorp
Classification: Likely benign for Autosomal recessive limb-girdle muscular dystrophy type 2Q; Epidermolysis bullosa simplex, Ogna type; Epidermolysis bullosa simplex with nail dystrophy; Epidermolysis bullosa simplex 5C, with pyloric atresia; Epidermolysis bullosa simplex 5B, with muscular dystrophy. Last evaluated: 2025-10-01. Review status: criteria provided, single submitter. Criteria: Invitae Variant Classification Sherloc (09022015). Collection method: clinical testing. Allele origin: germline.

PreventionGenetics, part of Exact Sciences
Classification: Likely benign for PLEC-related condition. Last evaluated: 2025-01-07. Review status: criteria provided, single submitter. Criteria: ACMG Guidelines, 2015. Collection method: clinical testing. Allele origin: germline.
Comment: This variant is classified as likely benign based on ACMG/AMP sequence variant interpretation guidelines (Richards et al. 2015 PMID: 25741868, with internal and published modifications).

Blueprint Genetics
Classification: Likely benign. Last evaluated: 2024-09-13. Review status: criteria provided, single submitter. Criteria: ACMG Guidelines, 2015. Collection method: clinical testing. Allele origin: germline.

NM_201384.3(PLEC):c.9210C>T (p.Pro3070=)

Gene: PLEC (plectin; minus strand). Cytogenetic location: 8q24.3.
Variant type: single nucleotide variant.
Coding change: c.9210C>T on transcript NM_201384.3 (MANE Select); coding-DNA position 9210, C replaced by T.
Protein change: p.Pro3070=; no amino-acid change (proline 3070 retained).
Molecular consequence: synonymous variant.
Genome position (GRCh38, 1-based): chr8:143,920,611, G>A on the plus strand (C>T on the coding strand, the complement: PLEC is on the minus strand). VCF-style: chr8-143920611-G-A. GRCh37 (hg19) VCF-style: chr8-144994779-G-A.
Other names: c.9291C>T, p.Pro3097= (NM_000445.5); c.9168C>T, p.Pro3056= (NM_201378.4); c.9144C>T, p.Pro3048= (NM_201379.3); c.9621C>T, p.Pro3207= (NM_201380.4); c.9114C>T, p.Pro3038= (NM_201381.3); c.9210C>T, p.Pro3070= (NM_201382.4); c.9222C>T, p.Pro3074= (NM_201383.3).
Identifiers: ClinVar variation 705420 (VCV000705420.11), dbSNP rs377575422, ClinGen allele CA4925037.
Genomic context (GRCh38, chr8:143,920,611, plus strand): 5'-CTCGGGGCCCACCAGGCCAGCACGCACTGCCTCGTCCACGGTCAGCCGGGCGCTGGTGGC[G>A]GGGTCGATGATGTGCCCGGTGCCGGCCTGGGCTTCCAACAGGGCCACGGCCATGTCGGAT-3'
Protein context (NP_958786.1, residues 3060-3080): AQAGTGHIID[Pro3070=]ATSARLTVDE